The following is an entry in ClinVar:

NM_001211.6(BUB1B):c.451C>T (p.Leu151Phe)

Gene: BUB1B (BUB1 mitotic checkpoint serine/threonine kinase B; plus strand). Cytogenetic location: 15q15.1.
Variant type: single nucleotide variant.
Coding change: c.451C>T on transcript NM_001211.6 (MANE Select); coding-DNA position 451, C replaced by T.
Protein change: p.Leu151Phe; replaces leucine 151 with phenylalanine.
Molecular consequence: missense variant.
Genome position (GRCh38, 1-based): chr15:40,176,543, C>T. VCF-style: chr15-40176543-C-T. GRCh37 (hg19) VCF-style: chr15-40468744-C-T.
Other names: c.451C>T (NM_001211.5); short protein forms L151F.
Identifiers: ClinVar variation 1371878 (VCV001371878.9), dbSNP rs2140885458, ClinGen allele CA391681186.
Genomic context (GRCh38, chr15:40,176,543, plus strand): 5'-TTATGCAATGAGCCTTTGGATATGTACAGTTACTTGCACAACCAAGGGATTGGTGTTTCA[C>T]TTGCTCAGTTCTATATCTCATGGGCAGAAGAATATGAAGCTAGAGAAAACTTTAGGAAAG-3'
Protein context (NP_001202.5, residues 141-161): YLHNQGIGVS[Leu151Phe]AQFYISWAEE

ClinVar aggregate classification (germline): Uncertain significance. Review status: criteria provided, multiple submitters, no conflicts (2 of 4 stars). 2 submissions from 2 submitters: Uncertain significance (2). Last evaluated 2024-03-28.

Conditions:
Inborn genetic diseases. Identifiers: MedGen C0950123, MeSH D030342.
Mosaic variegated aneuploidy syndrome 1 (MVA1). Also called: Warburton-Anyane-Yeboa syndrome. Identifiers: Orphanet 1052, MedGen C1850343, MONDO:0009759, OMIM 257300.

Submissions (2):

Ambry Genetics
Classification: Uncertain significance for Inborn genetic diseases. Last evaluated: 2024-03-28. Review status: criteria provided, single submitter. Criteria: Ambry Variant Classification Scheme 2023. Collection method: clinical testing. Allele origin: germline.
Comment: The p.L151F variant (also known as c.451C>T), located in coding exon 5 of the BUB1B gene, results from a C to T substitution at nucleotide position 451. The leucine at codon 151 is replaced by phenylalanine, an amino acid with highly similar properties. This amino acid position is conserved. In addition, this alteration is predicted to be tolerated by in silico analysis. Based on the available evidence, the clinical significance of this alteration remains unclear.

Labcorp Genetics (formerly Invitae), Labcorp
Classification: Uncertain significance for Mosaic variegated aneuploidy syndrome 1. Last evaluated: 2021-06-02. Review status: criteria provided, single submitter. Criteria: Invitae Variant Classification Sherloc (09022015). Collection method: clinical testing. Allele origin: germline.
Comment: This sequence change replaces leucine with phenylalanine at codon 151 of the BUB1B protein (p.Leu151Phe). The leucine residue is moderately conserved and there is a small physicochemical difference between leucine and phenylalanine. This variant is not present in population databases (ExAC no frequency). This variant has not been reported in the literature in individuals with BUB1B-related conditions. Algorithms developed to predict the effect of missense changes on protein structure and function are either unavailable or do not agree on the potential impact of this missense change (SIFT: "Tolerated"; PolyPhen-2: "Probably Damaging"; Align-GVGD: "Class C0"). In summary, the available evidence is currently insufficient to determine the role of this variant in disease. Therefore, it has been classified as a Variant of Uncertain Significance.